The following is an entry in ClinVar:

ClinVar aggregate classification (germline): Uncertain significance (1 of 4 stars; one submission).

gnomAD v4.1: 2 of 1,614,150 alleles (0.00012%); highest among the groups gnomAD compares: Non-Finnish European, 0.00017%; no homozygotes.

Submission:

GeneDx
Classification: Uncertain significance. Last evaluated: 2024-11-08. Review status: criteria provided, single submitter. Criteria: GeneDx Variant Classification Process June 2021. Collection method: clinical testing. Allele origin: germline. Affected: yes.
Comment: Not observed at significant frequency in large population cohorts (gnomAD); In silico analysis supports that this missense variant has a deleterious effect on protein structure/function; Has not been previously published as pathogenic or benign to our knowledge

NM_016180.5(SLC45A2):c.467C>T (p.Ala156Val)

Gene: SLC45A2 (solute carrier family 45 member 2; minus strand). Cytogenetic location: 5p13.2.
Variant type: single nucleotide variant.
Coding change: c.467C>T on transcript NM_016180.5 (MANE Select); coding-DNA position 467, C replaced by T.
Protein change: p.Ala156Val; replaces alanine 156 with valine.
Molecular consequence: missense variant.
Genome position (GRCh38, 1-based): chr5:33,982,331, G>A on the plus strand (C>T on the coding strand, the complement: SLC45A2 is on the minus strand). VCF-style: chr5-33982331-G-A. GRCh37 (hg19) VCF-style: chr5-33982436-G-A.
Other names: c.467C>T, p.Ala156Val (NM_001012509.4, NM_001297417.4); short protein forms A156V.
Identifiers: ClinVar variation 3899084 (VCV003899084.1).